The following is an entry in ClinVar:

ClinVar aggregate classification (germline): Likely benign (1 of 4 stars; one submission).

Allele frequency attached by ClinVar (database versions not stated): gnomAD exomes below 0.00001 and 0.00001; ExAC 0.00001.
gnomAD v4.1: 5 of 1,611,208 alleles (0.00031%); highest among the groups gnomAD compares: Admixed American, 0.0067%; no homozygotes.

Submission:

GeneDx
Classification: Likely benign. Last evaluated: 2017-09-06. Review status: criteria provided, single submitter. Criteria: GeneDx Variant Classification (06012015). Collection method: clinical testing. Allele origin: germline. Affected: yes.
Comment: This variant is considered likely benign or benign based on one or more of the following criteria: it is a conservative change, it occurs at a poorly conserved position in the protein, it is predicted to be benign by multiple in silico algorithms, and/or has population frequency not consistent with disease.

NM_172107.4(KCNQ2):c.1024-19C>T

Gene: KCNQ2 (potassium voltage-gated channel subfamily Q member 2; minus strand). Cytogenetic location: 20q13.33.
Variant type: single nucleotide variant.
Coding change: c.1024-19C>T on transcript NM_172107.4 (MANE Select); 19 bases into the intron before coding-DNA position 1024, C replaced by T.
Molecular consequence: intron variant.
Genome position (GRCh38, 1-based): chr20:63,433,922, G>A on the plus strand (C>T on the coding strand, the complement: KCNQ2 is on the minus strand). VCF-style: chr20-63433922-G-A. GRCh37 (hg19) VCF-style: chr20-62065275-G-A.
Other names: c.1024-19C>T (NM_004518.6, NM_172108.5, NM_172106.3 and 1 more transcripts).
Identifiers: ClinVar variation 511848 (VCV000511848.1), dbSNP rs752162043, ClinGen allele CA9958662.